The following is an entry in ClinVar:

NM_000548.5(TSC2):c.1717-3C>T

Gene: TSC2 (TSC complex subunit 2; plus strand). Cytogenetic location: 16p13.3.
Variant type: single nucleotide variant.
Coding change: c.1717-3C>T on transcript NM_000548.5 (MANE Select); 3 bases into the intron before coding-DNA position 1717, C replaced by T.
Molecular consequence: intron variant.
Genome position (GRCh38, 1-based): chr16:2,070,453, C>T. VCF-style: chr16-2070453-C-T. GRCh37 (hg19) VCF-style: chr16-2120454-C-T.
Other names: c.1717-3C>T (NM_001363528.2, NM_001370404.1, NM_001077183.3 and 3 more transcripts); c.1606-3C>T (NM_001318827.2); c.1117-3C>T (NM_001318831.2); c.1570-3C>T (NM_001318829.2); c.1750-3C>T (NM_001318832.2).
Identifiers: ClinVar variation 1365567 (VCV001365567.6), dbSNP rs2151277529, ClinGen allele CA2573151516.

ClinVar aggregate classification (germline): Uncertain significance (1 of 4 stars; one submission).

Conditions:
Tuberous sclerosis 2 (TSC2). Identifiers: Orphanet 805, MedGen C1860707, MONDO:0013199, OMIM 613254.

gnomAD v4.1: 7 of 1,613,402 alleles (0.00043%); highest among the groups gnomAD compares: Non-Finnish European, 0.00059%; no homozygotes.

Submission:

Labcorp Genetics (formerly Invitae), Labcorp
Classification: Uncertain significance for Tuberous sclerosis 2. Last evaluated: 2023-09-20. Review status: criteria provided, single submitter. Criteria: Invitae Variant Classification Sherloc (09022015). Collection method: clinical testing. Allele origin: germline.
Comment: In summary, the available evidence is currently insufficient to determine the role of this variant in disease. Therefore, it has been classified as a Variant of Uncertain Significance. Variants that disrupt the consensus splice site are a relatively common cause of aberrant splicing (PMID: 17576681, 9536098). Algorithms developed to predict the effect of sequence changes on RNA splicing suggest that this variant is not likely to affect RNA splicing. ClinVar contains an entry for this variant (Variation ID: 1365567). This variant has not been reported in the literature in individuals affected with TSC2-related conditions. This variant is not present in population databases (gnomAD no frequency). This sequence change falls in intron 16 of the TSC2 gene. It does not directly change the encoded amino acid sequence of the TSC2 protein. It affects a nucleotide within the consensus splice site.

Literature cited by the submitters: PubMed 17576681; PubMed 9536098.